The following is an entry in ClinVar:

NM_000709.4(BCKDHA):c.62C>T (p.Ala21Val)

Gene: BCKDHA (branched chain keto acid dehydrogenase E1 subunit alpha; plus strand). Cytogenetic location: 19q13.2.
Variant type: single nucleotide variant.
Coding change: c.62C>T on transcript NM_000709.4 (MANE Select); coding-DNA position 62, C replaced by T.
Protein change: p.Ala21Val; replaces alanine 21 with valine.
Molecular consequence: missense variant.
Genome position (GRCh38, 1-based): chr19:41,397,889, C>T. VCF-style: chr19-41397889-C-T. GRCh37 (hg19) VCF-style: chr19-41903794-C-T.
Other names: c.62C>T, p.Ala21Val (NM_001164783.2); short protein forms A21V.
Identifiers: ClinVar variation 2430786 (VCV002430786.1), dbSNP rs759801693, ClinGen allele CA9460972.
Genomic context (GRCh38, chr19:41,397,889, plus strand): 5'-TGGCGGTAGCGATCGCTGCAGCGAGGGTCTGGCGGCTAAACCGTGGTTTGAGCCAGGCTG[C>T]CCTCCTGCTGCTGCGGCAGCCTGGGGCTCGGGGACTGGCTAGATCTGTGAGTACCTGGGC-3'
Protein context (NP_000700.1, residues 11-31): WRLNRGLSQA[Ala21Val]LLLLRQPGAR

ClinVar aggregate classification (germline): Uncertain significance (1 of 4 stars; one submission).

Allele frequency attached by ClinVar (database versions not stated): ExAC 0.00001; gnomAD 0.00001; gnomAD exomes 0.00001; TOPMed 0.00001.

Submission:

GeneDx
Classification: Uncertain significance. Last evaluated: 2022-08-24. Review status: criteria provided, single submitter. Criteria: GeneDx Variant Classification Process June 2021. Collection method: clinical testing. Allele origin: germline. Affected: yes.
Comment: Not observed at significant frequency in large population cohorts (gnomAD); In silico analysis supports that this missense variant does not alter protein structure/function; Has not been previously published as pathogenic or benign to our knowledge